The following is an entry in ClinVar:

NM_005120.3(MED12):c.2280G>A (p.Val760=)

Gene: MED12 (mediator complex subunit 12; plus strand). Cytogenetic location: Xq13.1.
Variant type: single nucleotide variant.
Coding change: c.2280G>A on transcript NM_005120.3 (MANE Select); coding-DNA position 2280, G replaced by A.
Protein change: p.Val760=; no amino-acid change (valine 760 retained).
Molecular consequence: synonymous variant.
Genome position (GRCh38, 1-based): chrX:71,125,404, G>A. VCF-style: chrX-71125404-G-A. GRCh37 (hg19) VCF-style: chrX-70345254-G-A.
Other names: c.2280G>A (NM_005120.2).
Identifiers: ClinVar variation 1544261 (VCV001544261.9), dbSNP rs753948557, ClinGen allele CA10444326.

ClinVar aggregate classification (germline): Conflicting classifications of pathogenicity. Review status: criteria provided, conflicting classifications (1 of 4 stars). 2 submissions from 2 submitters: Uncertain significance (1); Benign (1). Last evaluated 2025-10-03.

Conditions:
Familial thoracic aortic aneurysm and aortic dissection (TAAD). Also called: Thoracic aortic aneurysms and dissections. Identifiers: Orphanet 91387, MedGen C4707243, MONDO:0019625.
FG syndrome (FGS). Identifiers: MedGen C0220769, MONDO:0002010.

Allele frequency attached by ClinVar (database versions not stated): ExAC 0.00001; gnomAD 0.00001; gnomAD exomes 0.00001 and 0.00002; TOPMed 0.00001.
gnomAD v4.1: 22 of 1,208,126 alleles (0.0018%); highest among the groups gnomAD compares: Non-Finnish European, 0.0023%; no homozygotes.

Submissions (2):

Labcorp Genetics (formerly Invitae), Labcorp
Classification: Benign for FG syndrome. Last evaluated: 2025-10-03. Review status: criteria provided, single submitter. Criteria: Invitae Variant Classification Sherloc (09022015). Collection method: clinical testing. Allele origin: germline.

Ambry Genetics
Classification: Uncertain significance for Familial thoracic aortic aneurysm and aortic dissection. Last evaluated: 2024-06-06. Review status: criteria provided, single submitter. Criteria: Ambry Variant Classification Scheme 2023. Collection method: clinical testing. Allele origin: germline.
Comment: The c.2280G>A variant (also known as p.V760V), located in coding exon 16 of the MED12 gene, results from a G to A substitution at nucleotide position 2280. This nucleotide substitution does not change the amino acid at codon 760. This nucleotide position is well conserved in available vertebrate species. In silico splice site analysis predicts that this alteration may result in the creation or strengthening of a novel splice acceptor site. Based on data from gnomAD, the A allele has an overall frequency of 0.001% (2/202742) total alleles studied, with 2 hemizygote(s) observed. The highest observed frequency was 0.0022% (2/91895) of European (non-Finnish) alleles. Based on the available evidence, the clinical significance of this variant remains unclear.